The following is an entry in ClinVar:

NM_004795.4(KL):c.161C>T (p.Ala54Val)

Gene: KL (klotho; plus strand). Cytogenetic location: 13q13.1.
Variant type: single nucleotide variant.
Coding change: c.161C>T on transcript NM_004795.4 (MANE Select); coding-DNA position 161, C replaced by T.
Protein change: p.Ala54Val; replaces alanine 54 with valine.
Molecular consequence: missense variant.
Genome position (GRCh38, 1-based): chr13:33,016,601, C>T. VCF-style: chr13-33016601-C-T. GRCh37 (hg19) VCF-style: chr13-33590739-C-T.
Other names: short protein forms A54V.
Identifiers: ClinVar variation 1713707 (VCV001713707.5), dbSNP rs2501695367, ClinGen allele CA387780155.

ClinVar aggregate classification (germline): Uncertain significance (1 of 4 stars; one submission).

Submission:

Labcorp Genetics (formerly Invitae), Labcorp
Classification: Uncertain significance. Last evaluated: 2022-07-24. Review status: criteria provided, single submitter. Criteria: Invitae Variant Classification Sherloc (09022015). Collection method: clinical testing. Allele origin: germline.
Comment: In summary, the available evidence is currently insufficient to determine the role of this variant in disease. Therefore, it has been classified as a Variant of Uncertain Significance. Algorithms developed to predict the effect of missense changes on protein structure and function (SIFT, PolyPhen-2, Align-GVGD) all suggest that this variant is likely to be tolerated. This variant has not been reported in the literature in individuals affected with KL-related conditions. This variant is not present in population databases (gnomAD no frequency). This sequence change replaces alanine, which is neutral and non-polar, with valine, which is neutral and non-polar, at codon 54 of the KL protein (p.Ala54Val).